The following is an entry in ClinVar:

NM_015972.4(POLR1D):c.132G>T (p.Leu44Phe)

Genes: POLR1D (RNA polymerase I and III subunit D; plus strand), LOC147380392 (uncharacterized LOC147380392; plus strand). Cytogenetic location: 13q12.2.
Variant type: single nucleotide variant.
Coding change: c.132G>T on transcript NM_015972.4 (MANE Select); coding-DNA position 132, G replaced by T.
Protein change: p.Leu44Phe; replaces leucine 44 with phenylalanine.
Molecular consequence: missense variant. On other transcripts: intron variant (2).
Genome position (GRCh38, 1-based): chr13:27,622,980, G>T. VCF-style: chr13-27622980-G-T. GRCh37 (hg19) VCF-style: chr13-28197117-G-T.
Other names: c.132G>T, p.Leu44Phe (NM_001374407.1); c.-59+1840G>T (NM_001206559.2); c.26+971G>T (NM_152705.3); short protein forms L44F.
Identifiers: ClinVar variation 1963782 (VCV001963782.5), dbSNP rs2500474648, ClinGen allele CA387635062.

ClinVar aggregate classification (germline): Uncertain significance (1 of 4 stars; one submission).

Allele frequency attached by ClinVar (database versions not stated): gnomAD exomes below 0.00001.

Submission:

Labcorp Genetics (formerly Invitae), Labcorp
Classification: Uncertain significance. Last evaluated: 2022-09-09. Review status: criteria provided, single submitter. Criteria: Invitae Variant Classification Sherloc (09022015). Collection method: clinical testing. Allele origin: germline.
Comment: In summary, the available evidence is currently insufficient to determine the role of this variant in disease. Therefore, it has been classified as a Variant of Uncertain Significance. This sequence change replaces leucine, which is neutral and non-polar, with phenylalanine, which is neutral and non-polar, at codon 44 of the POLR1D protein (p.Leu44Phe). This variant is not present in population databases (gnomAD no frequency). This variant has not been reported in the literature in individuals affected with POLR1D-related conditions. Algorithms developed to predict the effect of missense changes on protein structure and function are either unavailable or do not agree on the potential impact of this missense change (SIFT: "Tolerated"; PolyPhen-2: "Possibly Damaging"; Align-GVGD: "Class C0").